The following is an entry in ClinVar:

ClinVar aggregate classification (germline): Uncertain significance (1 of 4 stars; one submission).

Conditions:
Hereditary spastic paraplegia 30. Identifiers: Orphanet 101010, MedGen C5235139, MONDO:0012476.
Neuropathy, hereditary sensory, type 2C. Also called: Hereditary sensory and autonomic neuropathy type IIC; KIF1A-Related HSAN2 (HSAN2C). Identifiers: Orphanet 970, MedGen C3280168, MONDO:0013634, OMIM 614213.
Intellectual disability, autosomal dominant 9 (NESCAVS). Also called: NESCAV SYNDROME; KIF1A-Related Neurodevelopmental Disorder. Identifiers: Orphanet 662367, MedGen C5393830, MONDO:0013656, OMIM 614255.

Allele frequency attached by ClinVar (database versions not stated): gnomAD exomes below 0.00001; TOPMed below 0.00001; gnomAD 0.00001.
gnomAD v4.1: 3 of 1,612,576 alleles (0.00019%); highest among the groups gnomAD compares: Non-Finnish European, 0.00025%; no homozygotes.

Submission:

Labcorp Genetics (formerly Invitae), Labcorp
Classification: Uncertain significance for Hereditary spastic paraplegia 30; Neuropathy, hereditary sensory, type 2C; Intellectual disability, autosomal dominant 9. Last evaluated: 2021-02-03. Review status: criteria provided, single submitter. Criteria: Invitae Variant Classification Sherloc (09022015). Collection method: clinical testing. Allele origin: germline.
Comment: In summary, the available evidence is currently insufficient to determine the role of this variant in disease. Therefore, it has been classified as a Variant of Uncertain Significance. Advanced modeling of protein sequence and biophysical properties (such as structural, functional, and spatial information, amino acid conservation, physicochemical variation, residue mobility, and thermodynamic stability) performed at Invitae indicates that this missense variant is not expected to disrupt KIF1A protein function. This variant has not been reported in the literature in individuals with KIF1A-related conditions. This variant is not present in population databases (ExAC no frequency). This sequence change replaces alanine with valine at codon 427 of the KIF1A protein (p.Ala427Val). The alanine residue is moderately conserved and there is a small physicochemical difference between alanine and valine.

NM_001244008.2(KIF1A):c.1307C>T (p.Ala436Val)

Gene: KIF1A (kinesin family member 1A; minus strand). Cytogenetic location: 2q37.3.
Variant type: single nucleotide variant.
Coding change: c.1307C>T on transcript NM_001244008.2 (MANE Select); coding-DNA position 1307, C replaced by T.
Protein change: p.Ala436Val; replaces alanine 436 with valine.
Molecular consequence: missense variant.
Genome position (GRCh38, 1-based): chr2:240,771,005, G>A on the plus strand (C>T on the coding strand, the complement: KIF1A is on the minus strand). VCF-style: chr2-240771005-G-A. GRCh37 (hg19) VCF-style: chr2-241710422-G-A.
Other names: c.1307C>T, p.Ala436Val (NM_001320705.2, NM_001330289.2, NM_001379638.1); c.1382C>T, p.Ala461Val (NM_001330290.2, NM_001379631.1, NM_001379634.1 and 2 more transcripts); c.1280C>T, p.Ala427Val (NM_001379632.1, NM_001379633.1, NM_001379636.1 and 10 more transcripts); c.1355C>T, p.Ala452Val (NM_001379637.1, NM_001379648.1); short protein forms A452V, A461V, A436V, A427V.
Identifiers: ClinVar variation 1369378 (VCV001369378.8), dbSNP rs1372206358, ClinGen allele CA351330469.